The following is an entry in ClinVar:

ClinVar aggregate classification (germline): Benign (1 of 4 stars; one submission).

Allele frequency attached by ClinVar (database versions not stated): ExAC 0.00018; gnomAD exomes 0.00034 and 0.00095; TOPMed 0.00034; gnomAD 0.00072 and 0.00077.
gnomAD v4.1: 387 of 454,302 alleles (0.085%); highest among the groups gnomAD compares: Non-Finnish European, 0.16%; 1 homozygote.

Submission:

CeGaT Center for Human Genetics Tuebingen
Classification: Benign. Last evaluated: 2022-08-01. Review status: criteria provided, single submitter. Criteria: CeGaT Center For Human Genetics Tuebingen Variant Classification Criteria Version 2. Collection method: clinical testing. Allele origin: germline. Affected: yes. Observed: 2 variant alleles.
Comment: SCN4B: BS1, BS2

NM_174934.4(SCN4B):c.*2939G>C

Gene: SCN4B (sodium voltage-gated channel beta subunit 4; minus strand). Cytogenetic location: 11q23.3.
Variant type: single nucleotide variant.
Coding change: c.*2939G>C on transcript NM_174934.4 (MANE Select); 2939 bases downstream of the stop codon, G replaced by C.
Molecular consequence: 3 prime UTR variant. On other transcripts: non-coding transcript variant (1).
Genome position (GRCh38, 1-based): chr11:118,134,088, C>G on the plus strand (G>C on the coding strand, the complement: SCN4B is on the minus strand). VCF-style: chr11-118134088-C-G. GRCh37 (hg19) VCF-style: chr11-118004803-C-G.
Other names: c.*2939G>C (NM_001142348.2, NM_001142349.2).
Identifiers: ClinVar variation 302589 (VCV000302589.29), dbSNP rs757631990, ClinGen allele CA6299962.